The following is an entry in ClinVar:

ClinVar aggregate classification (germline): Uncertain significance (1 of 4 stars; one submission).

Submission:

Women's Health and Genetics/Laboratory Corporation of America, LabCorp
Classification: Uncertain significance. Last evaluated: 2023-12-04. Review status: criteria provided, single submitter. Criteria: LabCorp Variant Classification Summary - May 2015. Collection method: clinical testing. Allele origin: germline.
Comment: Variant summary: MAP2K1 c.291+14_291+19delinsTCTCAC alters a nucleotide located at a position not widely known to affect splicing. This variant is a multinucleotide combination of 291+14G>T, 291+15A>C, 291+17T>C, 291+19A>C. Several computational tools predict a significant impact on normal splicing: Three predict the variant creates a cryptic 3' acceptor site. One predict the variant strengthens a cryptic 3' acceptor site. However, these predictions have yet to be confirmed by functional studies. The variant was absent in 1606022 control chromosomes. The available data on variant occurrences in the general population are insufficient to allow any conclusion about variant significance. To our knowledge, no occurrence of c.291+14_291+19delinsTCTCAC in individuals affected with Cardiofaciocutaneous Syndrome and no experimental evidence demonstrating its impact on protein function have been reported. No submitters have cited clinical-significance assessments for this variant to ClinVar after 2014, however each component variant has been classified as likely benign/benign in Clinvar. Based on the evidence outlined above, the variant was classified as uncertain significance.

NM_002755.4(MAP2K1):c.291+14_291+19delinsTCTCAC

Gene: MAP2K1 (mitogen-activated protein kinase kinase 1; plus strand). Cytogenetic location: 15q22.31.
Variant type: Indel.
Coding change: c.291+14_291+19delinsTCTCAC on transcript NM_002755.4 (MANE Select); bases 14 to 19 of the intron after coding-DNA position 291, GATTAA replaced by TCTCAC.
Molecular consequence: intron variant.
Genome position (GRCh38, 1-based): chr15:66,435,251-66,435,256, GATTAA replaced by TCTCAC. VCF-style: chr15-66435251-GATTAA-TCTCAC. GRCh37 (hg19) VCF-style: chr15-66727589-GATTAA-TCTCAC.
Other names: c.225+14_225+19delinsTCTCAC (NM_001411065.1).
Identifiers: ClinVar variation 2691459 (VCV002691459.1), dbSNP rs2545051483, ClinGen allele CA2697549136.